The following is an entry in ClinVar:

ClinVar aggregate classification (germline): Uncertain significance (1 of 4 stars; one submission).

Submission:

GeneDx
Classification: Uncertain significance. Last evaluated: 2023-02-16. Review status: criteria provided, single submitter. Criteria: GeneDx Variant Classification Process June 2021. Collection method: clinical testing. Allele origin: germline. Affected: yes.
Comment: Not observed at significant frequency in large population cohorts (gnomAD); In silico analysis supports that this missense variant does not alter protein structure/function; Has not been previously published as pathogenic or benign to our knowledge

NM_022455.5(NSD1):c.4783G>C (p.Val1595Leu)

Gene: NSD1 (nuclear receptor binding SET domain protein 1; plus strand). Cytogenetic location: 5q35.3.
Variant type: single nucleotide variant.
Coding change: c.4783G>C on transcript NM_022455.5 (MANE Select); coding-DNA position 4783, G replaced by C.
Protein change: p.Val1595Leu; replaces valine 1595 with leucine.
Molecular consequence: missense variant.
Genome position (GRCh38, 1-based): chr5:177,256,968, G>C. VCF-style: chr5-177256968-G-C. GRCh37 (hg19) VCF-style: chr5-176683969-G-C.
Other names: c.3910G>C, p.Val1304Leu (NM_172349.5, NM_001365684.2, NM_001409308.1 and 1 more transcripts); c.4783G>C, p.Val1595Leu (NM_001409301.1, NM_001409302.1, NM_001409303.1); c.4363G>C, p.Val1455Leu (NM_001409304.1); c.4030G>C, p.Val1344Leu (NM_001409305.1); c.4021G>C, p.Val1341Leu (NM_001409306.1, NM_001409307.1); short protein forms V1304L, V1341L, V1344L, V1455L, V1595L.
Identifiers: ClinVar variation 2576786 (VCV002576786.1), dbSNP rs747706715, ClinGen allele CA362354830.